The following is an entry in ClinVar:

ClinVar aggregate classification (germline): Uncertain significance. Review status: criteria provided, multiple submitters, no conflicts (2 of 4 stars). 2 submissions from 2 submitters: Uncertain significance (2). Last evaluated 2025-08-27.

Conditions:
Hereditary cancer-predisposing syndrome. Also called: Neoplastic Syndromes, Hereditary; Tumor predisposition; Hereditary Cancer Syndrome; Hereditary neoplastic syndrome. Identifiers: Orphanet 140162, MedGen C0027672, MeSH D009386, MONDO:0015356.
Familial adenomatous polyposis 2. Also called: Adenomas, multiple colorectal; MUTYH Polyposis; COLORECTAL ADENOMATOUS POLYPOSIS, AUTOSOMAL RECESSIVE; ADENOMAS, MULTIPLE COLORECTAL, AUTOSOMAL RECESSIVE; MUTYH-associated polyposis; MUTYH-related attenuated familial adenomatous polyposis. Identifiers: Orphanet 220460, Orphanet 247798, MedGen C3272841, MONDO:0012041, OMIM 608456.

Submissions (2):

Ambry Genetics
Classification: Uncertain significance for Hereditary cancer-predisposing syndrome. Last evaluated: 2025-08-27. Review status: criteria provided, single submitter. Criteria: Ambry Variant Classification Scheme 2023. Collection method: clinical testing. Allele origin: germline.
Comment: The p.H482R variant (also known as c.1445A>G), located in coding exon 14 of the MUTYH gene, results from an A to G substitution at nucleotide position 1445. The histidine at codon 482 is replaced by arginine, an amino acid with highly similar properties. This amino acid position is conserved. In addition, this alteration is predicted to be tolerated by in silico analysis. Based on the available evidence, the clinical significance of this variant remains unclear.

Labcorp Genetics (formerly Invitae), Labcorp
Classification: Uncertain significance for Familial adenomatous polyposis 2. Last evaluated: 2024-04-29. Review status: criteria provided, single submitter. Criteria: Invitae Variant Classification Sherloc (09022015). Collection method: clinical testing. Allele origin: germline.
Comment: This sequence change replaces histidine, which is basic and polar, with arginine, which is basic and polar, at codon 482 of the MUTYH protein (p.His482Arg). This variant is not present in population databases (gnomAD no frequency). This variant has not been reported in the literature in individuals affected with MUTYH-related conditions. ClinVar contains an entry for this variant (Variation ID: 947625). Algorithms developed to predict the effect of missense changes on protein structure and function output the following: SIFT: "Not Available"; PolyPhen-2: "Benign"; Align-GVGD: "Not Available". The arginine amino acid residue is found in multiple mammalian species, which suggests that this missense change does not adversely affect protein function. In summary, the available evidence is currently insufficient to determine the role of this variant in disease. Therefore, it has been classified as a Variant of Uncertain Significance.

NM_001048174.2(MUTYH):c.1361A>G (p.His454Arg)

Gene: MUTYH (mutY DNA glycosylase; minus strand). Cytogenetic location: 1p34.1.
Variant type: single nucleotide variant.
Coding change: c.1361A>G on transcript NM_001048174.2 (MANE Select); coding-DNA position 1361, A replaced by G.
Protein change: p.His454Arg; replaces histidine 454 with arginine.
Molecular consequence: missense variant. On other transcripts: non-coding transcript variant (2).
Genome position (GRCh38, 1-based): chr1:45,331,213, T>C on the plus strand (A>G on the coding strand, the complement: MUTYH is on the minus strand). VCF-style: chr1-45331213-T-C. GRCh37 (hg19) VCF-style: chr1-45796885-T-C.
Other names: c.1361A>G, p.His454Arg (NM_001048171.2, NM_001048173.2, NM_001293195.2); c.1364A>G, p.His455Arg (NM_001048172.2); c.1445A>G, p.His482Arg (NM_001128425.2); c.1406A>G, p.His469Arg (NM_001293190.2); c.1394A>G, p.His465Arg (NM_001293191.2); c.1085A>G, p.His362Arg (NM_001293192.2, NM_001293196.2); c.1016A>G, p.His339Arg (NM_001350650.2, NM_001350651.2); c.1436A>G, p.His479Arg (NM_012222.3); short protein forms H465R, H469R, H455R, H482R, H339R, H362R, H479R, H454R.
Identifiers: ClinVar variation 947625 (VCV000947625.10), dbSNP rs1644768697, ClinGen allele CA340132559.
Genomic context (GRCh38, chr1:45,331,213, plus strand): 5'-AAGTACAACAAAGACAACAAAGGTAGTGCCTTTTTCATGGCGGTGGAAACAGCTGCGGTG[T>C]GAAATTCCTCCTGCGTCAGCCAGCGAGCACCTGGTGGTACGGTGGTCACTGGGGTCTGCC-3'
Protein context (NP_001041639.1, residues 444-464): GARWLTQEEF[His454Arg]TAAVSTAMKK